The following is an entry in ClinVar:

ClinVar aggregate classification (germline): Pathogenic (1 of 4 stars; one submission).

Conditions:
Neurofibromatosis, type 1 (NF1). Also called: NEUROFIBROMATOSIS, TYPE I, SOMATIC; Peripheral type neurofibromatosis; Neurofibromatosis, type I; VON RECKLINGHAUSEN DISEASE. Identifiers: Orphanet 636, MedGen C0027831, MONDO:0018975, OMIM 162200. Disease mechanism: loss of function.

Submission:

Labcorp Genetics (formerly Invitae), Labcorp
Classification: Pathogenic for Neurofibromatosis, type 1. Last evaluated: 2024-12-02. Review status: criteria provided, single submitter. Criteria: Invitae Variant Classification Sherloc (09022015). Collection method: clinical testing. Allele origin: germline.
Comment: This sequence change creates a premature translational stop signal (p.Asn2265Lysfs*5) in the NF1 gene. It is expected to result in an absent or disrupted protein product. Loss-of-function variants in NF1 are known to be pathogenic (PMID: 10712197, 23913538). This variant is not present in population databases (gnomAD no frequency). This variant has not been reported in the literature in individuals affected with NF1-related conditions. Algorithms developed to predict the effect of sequence changes on RNA splicing suggest that this variant may disrupt the consensus splice site. For these reasons, this variant has been classified as Pathogenic.

Literature cited by the submitters: PubMed 10712197; PubMed 23913538.

NM_001042492.3(NF1):c.6858del (p.Asn2286fs)

Gene: NF1 (neurofibromin 1; plus strand). Cytogenetic location: 17q11.2.
Variant type: Deletion.
Coding change: c.6858del on transcript NM_001042492.3 (MANE Select); coding-DNA position 6858, one base deleted (C; older notation c.6858delC).
Protein change: p.Asn2286fs; shifts the reading frame from asparagine 2286.
Molecular consequence: frameshift variant.
Genome position (GRCh38, 1-based): chr17:31,338,742, C deleted. VCF-style (leftmost placement, unchanged base first): chr17-31338741-AC-A. GRCh37 (hg19) VCF-style: chr17-29665759-AC-A.
Other names: c.6795delC, p.Asn2265Lysfs (NM_000267.4); short protein forms N2265fs, N2286fs.
Identifiers: ClinVar variation 3726457 (VCV003726457.2).